The following is an entry in ClinVar:

NM_017617.5(NOTCH1):c.3520G>A (p.Gly1174Ser)

Gene: NOTCH1 (notch receptor 1; minus strand). Cytogenetic location: 9q34.3.
Variant type: single nucleotide variant.
Coding change: c.3520G>A on transcript NM_017617.5 (MANE Select); coding-DNA position 3520, G replaced by A.
Protein change: p.Gly1174Ser; replaces glycine 1174 with serine.
Molecular consequence: missense variant.
Genome position (GRCh38, 1-based): chr9:136,507,428, C>T on the plus strand (G>A on the coding strand, the complement: NOTCH1 is on the minus strand). VCF-style: chr9-136507428-C-T. GRCh37 (hg19) VCF-style: chr9-139401880-C-T.
Other names: short protein forms G1174S.
Identifiers: ClinVar variation 1046118 (VCV001046118.8), dbSNP rs1272399533, ClinGen allele CA375550157.

ClinVar aggregate classification (germline): Uncertain significance (1 of 4 stars; one submission).

Conditions:
Adams-Oliver syndrome 5 (AOS5). Identifiers: Orphanet 974, MedGen C4014970, MONDO:0014459, OMIM 616028.

Allele frequency attached by ClinVar (database versions not stated): TOPMed 0.00001.
gnomAD v4.1: 5 of 1,606,618 alleles (0.00031%); highest among the groups gnomAD compares: Non-Finnish European, 0.00042%; no homozygotes.

Submission:

Labcorp Genetics (formerly Invitae), Labcorp
Classification: Uncertain significance for Adams-Oliver syndrome 5. Last evaluated: 2020-07-16. Review status: criteria provided, single submitter. Criteria: Invitae Variant Classification Sherloc (09022015). Collection method: clinical testing. Allele origin: germline.
Comment: In summary, the available evidence is currently insufficient to determine the role of this variant in disease. Therefore, it has been classified as a Variant of Uncertain Significance. Algorithms developed to predict the effect of missense changes on protein structure and function (SIFT, PolyPhen-2, Align-GVGD) all suggest that this variant is likely to be disruptive, but these predictions have not been confirmed by published functional studies and their clinical significance is uncertain. This variant has not been reported in the literature in individuals with NOTCH1-related conditions. This variant is not present in population databases (ExAC no frequency). This sequence change replaces glycine with serine at codon 1174 of the NOTCH1 protein (p.Gly1174Ser). The glycine residue is highly conserved and there is a small physicochemical difference between glycine and serine.